The following is an entry in ClinVar:

ClinVar aggregate classification (germline): Uncertain significance (1 of 4 stars; one submission).

Allele frequency attached by ClinVar (database versions not stated): TOPMed below 0.00001; gnomAD 0.00001; gnomAD exomes 0.00001; ExAC 0.00003.

Submission:

Labcorp Genetics (formerly Invitae), Labcorp
Classification: Uncertain significance. Last evaluated: 2025-10-03. Review status: criteria provided, single submitter. Criteria: Invitae Variant Classification Sherloc (09022015). Collection method: clinical testing. Allele origin: germline.
Comment: This sequence change replaces arginine, which is basic and polar, with glutamine, which is neutral and polar, at codon 211 of the ARHGEF1 protein (p.Arg211Gln). This variant is present in population databases (rs782193411, gnomAD 0.006%). This variant has not been reported in the literature in individuals affected with ARHGEF1-related conditions. ClinVar contains an entry for this variant (Variation ID: 1918592). An algorithm developed to predict the effect of missense changes on protein structure and function outputs the following: PolyPhen-2: "Benign". The glutamine amino acid residue is found in multiple mammalian species, which suggests that this missense change does not adversely affect protein function. In summary, the available evidence is currently insufficient to determine the role of this variant in disease. Therefore, it has been classified as a Variant of Uncertain Significance.

NM_004706.4(ARHGEF1):c.587G>A (p.Arg196Gln)

Gene: ARHGEF1 (Rho guanine nucleotide exchange factor 1; plus strand). Cytogenetic location: 19q13.2.
Variant type: single nucleotide variant.
Coding change: c.587G>A on transcript NM_004706.4 (MANE Select); coding-DNA position 587, G replaced by A.
Protein change: p.Arg196Gln; replaces arginine 196 with glutamine.
Molecular consequence: missense variant. On other transcripts: non-coding transcript variant (2).
Genome position (GRCh38, 1-based): chr19:41,892,822, G>A. VCF-style: chr19-41892822-G-A. GRCh37 (hg19) VCF-style: chr19-42396893-G-A.
Other names: c.587G>A, p.Arg196Gln (NM_001396000.1, NM_001396003.1, NM_001396006.1); c.488G>A, p.Arg163Gln (NM_001396002.1, NM_001396004.1, NM_198977.2); c.632G>A, p.Arg211Gln (NM_199002.2); short protein forms R196Q, R211Q, R163Q.
Identifiers: ClinVar variation 1918592 (VCV001918592.5), dbSNP rs782193411, ClinGen allele CA9465949.
Genomic context (GRCh38, chr19:41,892,822, plus strand): 5'-AGGCTTGGGTTGGGCGGGACCGAGCCAGCTACGAGGCCCGGGAGCGGCACGTGGCGGAGC[G>A]GCTGCTCATGCACCTGGAGGAGATGCAGTGAGTAGGCCAGCCCTGGTGGGAGCGTCGCCC-3'
Protein context (NP_004697.2, residues 186-206): YEARERHVAE[Arg196Gln]LLMHLEEMQH